The following is an entry in ClinVar:

NM_000264.5(PTCH1):c.1776dup (p.Pro593fs)

Genes: PTCH1 (patched 1; minus strand), LOC100507346 (uncharacterized LOC100507346; plus strand). Cytogenetic location: 9q22.32.
Variant type: Duplication.
Coding change: c.1776dup on transcript NM_000264.5 (MANE Select); coding-DNA position 1776, one base duplicated (T; older notation c.1776dupT).
Protein change: p.Pro593fs; shifts the reading frame from proline 593.
Molecular consequence: frameshift variant. On other transcripts: non-coding transcript variant (2).
Genome position (GRCh38, 1-based): chr9:95,469,884, A duplicated on the plus strand (T on the coding strand, the reverse complement: PTCH1 is on the minus strand); the first of 5 consecutive A bases (chr9:95,469,884-95,469,888); duplicating any one gives the same sequence. VCF-style (leftmost placement, unchanged base first): chr9-95469883-G-GA. GRCh37 (hg19) VCF-style: chr9-98232165-G-GA.
Other names: c.1578dup, p.Pro527fs (NM_001083602.3); c.1773dup, p.Pro592fs (NM_001083603.3); c.1323dup, p.Pro442fs (NM_001083604.3, NM_001083605.3, NM_001083606.3 and 1 more transcripts); c.1620dup, p.Pro541fs (NM_001354918.2); short protein forms P527fs, P442fs, P541fs, P592fs, P593fs.
Identifiers: ClinVar variation 2136792 (VCV002136792.4), dbSNP rs2538159427, ClinGen allele CA2580080874.
Genomic context (GRCh38, chr9:95,469,883, plus strand): 5'-AGCAGAAAATATCCAGTCTCCTGTCCTCGCGTCGATATAAATCCATGCTGAGAATTGCAG[G>GA]AAAAATGAGCAGAACCATGGCAAAATTGAACACCACTACTACCGCTGCCTGGGAGCAGAA-3'

ClinVar aggregate classification (germline): Pathogenic (1 of 4 stars; one submission).

Conditions:
Gorlin syndrome. Also called: Basal cell nevus syndrome; Nevoid Basal Cell Carcinoma Syndrome. Identifiers: Orphanet 377, MedGen C0004779, MONDO:0007187.

Submission:

Labcorp Genetics (formerly Invitae), Labcorp
Classification: Pathogenic for Gorlin syndrome. Last evaluated: 2022-10-06. Review status: criteria provided, single submitter. Criteria: Invitae Variant Classification Sherloc (09022015). Collection method: clinical testing. Allele origin: germline.
Comment: For these reasons, this variant has been classified as Pathogenic. This variant is also known as codon 591insT. This premature translational stop signal has been observed in individual(s) with basal cell nevus syndrome (PMID: 16301862). This variant is not present in population databases (gnomAD no frequency). This sequence change creates a premature translational stop signal (p.Pro593Serfs*34) in the PTCH1 gene. It is expected to result in an absent or disrupted protein product. Loss-of-function variants in PTCH1 are known to be pathogenic (PMID: 16301862, 16419085).

Literature cited by the submitters: PubMed 16301862; PubMed 16419085.